The following is an entry in ClinVar:

ClinVar aggregate classification (germline): Conflicting classifications of pathogenicity. Review status: criteria provided, conflicting classifications (1 of 4 stars). 2 submissions from 2 submitters: Uncertain significance (1); Likely benign (1). Last evaluated 2023-03-06.

Conditions:
Hereditary cancer-predisposing syndrome. Also called: Hereditary neoplastic syndrome; Neoplastic Syndromes, Hereditary; Tumor predisposition; Hereditary Cancer Syndrome. Identifiers: Orphanet 140162, MedGen C0027672, MeSH D009386, MONDO:0015356.
Retinoblastoma (RB1). Also called: RETINOBLASTOMA, SOMATIC. Identifiers: Orphanet 790, MedGen C0035335, MeSH D012175, MONDO:0008380, OMIM 180200, HP:0009919. Disease mechanism: loss of function. Inheritance: Both sporadic and heritable forms are tested..

Allele frequency attached by ClinVar (database versions not stated): gnomAD exomes below 0.00001 and 0.00001; ExAC 0.00002.
gnomAD v4.1: 4 of 1,612,822 alleles (0.00025%); highest among the groups gnomAD compares: Admixed American, 0.005%; no homozygotes.

Submissions (2):

Labcorp Genetics (formerly Invitae), Labcorp
Classification: Uncertain significance for Retinoblastoma. Last evaluated: 2023-03-06. Review status: criteria provided, single submitter. Criteria: Invitae Variant Classification Sherloc (09022015). Collection method: clinical testing. Allele origin: germline.
Comment: This variant is present in population databases (rs753307498, gnomAD 0.009%). In summary, the available evidence is currently insufficient to determine the role of this variant in disease. Therefore, it has been classified as a Variant of Uncertain Significance. Advanced modeling of protein sequence and biophysical properties (such as structural, functional, and spatial information, amino acid conservation, physicochemical variation, residue mobility, and thermodynamic stability) performed at Invitae indicates that this missense variant is not expected to disrupt RB1 protein function. ClinVar contains an entry for this variant (Variation ID: 1508351). This variant has not been reported in the literature in individuals affected with RB1-related conditions. This sequence change replaces glutamic acid, which is acidic and polar, with glycine, which is neutral and non-polar, at codon 72 of the RB1 protein (p.Glu72Gly).

Ambry Genetics
Classification: Likely benign for Hereditary cancer-predisposing syndrome. Last evaluated: 2022-06-30. Review status: criteria provided, single submitter. Criteria: Ambry Variant Classification Scheme 2023. Collection method: clinical testing. Allele origin: germline.

NM_000321.3(RB1):c.215A>G (p.Glu72Gly)

Gene: RB1 (RB transcriptional corepressor 1; plus strand). Cytogenetic location: 13q14.2.
Variant type: single nucleotide variant.
Coding change: c.215A>G on transcript NM_000321.3 (MANE Select); coding-DNA position 215, A replaced by G.
Protein change: p.Glu72Gly; replaces glutamic acid 72 with glycine.
Molecular consequence: missense variant.
Genome position (GRCh38, 1-based): chr13:48,307,357, A>G. VCF-style: chr13-48307357-A-G. GRCh37 (hg19) VCF-style: chr13-48881493-A-G.
Other names: short protein forms E72G.
Identifiers: ClinVar variation 1508351 (VCV001508351.10), dbSNP rs753307498, ClinGen allele CA034326.